The following is an entry in ClinVar:

NM_001377.3(DYNC2H1):c.4854dup (p.His1619fs)

Gene: DYNC2H1 (dynein cytoplasmic 2 heavy chain 1; plus strand). Cytogenetic location: 11q22.3.
Variant type: Duplication.
Coding change: c.4854dup on transcript NM_001377.3 (MANE Select); coding-DNA position 4854, one base duplicated (T; older notation c.4854dupT).
Protein change: p.His1619fs; shifts the reading frame from histidine 1619.
Molecular consequence: frameshift variant.
Genome position (GRCh38, 1-based): chr11:103,168,846, T duplicated; the last of 2 consecutive T bases (chr11:103,168,845-103,168,846); duplicating either gives the same sequence. VCF-style (leftmost placement, unchanged base first): chr11-103168844-G-GT. GRCh37 (hg19) VCF-style: chr11-103039573-G-GT.
Other names: c.4854dup, p.His1619fs (NM_001080463.2); short protein forms H1619fs.
Identifiers: ClinVar variation 5015006 (VCV005015006.1).

ClinVar aggregate classification (germline): Pathogenic (1 of 4 stars; one submission).

Conditions:
Asphyxiating thoracic dystrophy 3. Also called: SHORT-RIB THORACIC DYSPLASIA 3 WITH OR WITHOUT POLYDACTYLY; POLYDACTYLY WITH NEONATAL CHONDRODYSTROPHY, TYPE I; SHORT-RIB THORACIC DYSPLASIA 3/6 WITH POLYDACTYLY, DIGENIC; Short rib polydactyly syndrome 2B; Saldino-Noonan Syndrome. Identifiers: Orphanet 474, Orphanet 93269, Orphanet 93270, Orphanet 93271, MedGen C0036069, MONDO:0013127, OMIM 613091.

Submission:

Myriad Genetics, Inc.
Classification: Pathogenic for Asphyxiating thoracic dystrophy 3. Last evaluated: 2025-09-21. Review status: criteria provided, single submitter. Criteria: Myriad Autosomal Dominant, Autosomal Recessive and X-Linked Classification Criteria (2023). Collection method: clinical testing. Allele origin: unknown.
Comment: NM_001377.2(DYNC2H1):c.4854dupT(H1619Sfs*4) is expected to be pathogenic in the context of DYNC2H1-related disorders. This variant is predicted to lead to an abnormal or absent protein product due to the creation of a premature termination codon in DYNC2H1, a gene where loss-of-function variants are known to be pathogenic. Please note: this variant was assessed in the context of healthy population screening.